The following is an entry in ClinVar:

ClinVar aggregate classification (germline): Pathogenic. Review status: criteria provided, multiple submitters, no conflicts (2 of 4 stars). 3 submissions from 3 submitters: Pathogenic (2). 1 of the submissions does not count toward it. Last evaluated 2025-07-18.

Conditions:
Neuronal ceroid lipofuscinosis. Also called: Neuronal Ceroid Lipofuscinoses. Identifiers: Orphanet 216, Orphanet 79263, MedGen C0027877, MONDO:0016295. Disease mechanism: loss of function.

Submissions (3):

Women's Health and Genetics/Laboratory Corporation of America, LabCorp
Classification: Pathogenic for Neuronal ceroid lipofuscinosis. Last evaluated: 2025-07-18. Review status: criteria provided, single submitter. Criteria: LabCorp Variant Classification Summary - May 2015. Collection method: clinical testing. Allele origin: germline.
Comment: Variant summary: TPP1 c.679T>C (p.Cys227Arg) results in a non-conservative amino acid change located in the Sedolisin domain (IPR030400) of the encoded protein sequence. Algorithms developed to predict the effect of missense changes on protein structure and function all suggest that this variant is likely to be disruptive. The variant was absent in 251410 control chromosomes. c.679T>C has been observed in the homozygous and compound heterozygous state in multiple individuals affected with Neuronal Ceroid-Lipofuscinosis (Batten Disease) and segregated with disease in at least two families. These data indicate that the variant is very likely to be associated with disease. The following publications have been ascertained in the context of this evaluation (PMID: 38730490). ClinVar contains an entry for this variant (Variation ID: 863536). Based on the evidence outlined above, the variant was classified as pathogenic.

Labcorp Genetics (formerly Invitae), Labcorp
Classification: Pathogenic. Last evaluated: 2021-03-20. Review status: criteria provided, single submitter. Criteria: Invitae Variant Classification Sherloc (09022015). Collection method: clinical testing. Allele origin: germline.
Comment: For these reasons, this variant has been classified as Pathogenic. Algorithms developed to predict the effect of missense changes on protein structure and function are either unavailable or do not agree on the potential impact of this missense change (SIFT: "Deleterious"; PolyPhen-2: "Probably Damaging"; Align-GVGD: "Class C0"). This variant has been observed in individual(s) with clinical features of neuronal ceroid lipofuscinosis (Invitae). It has also been observed to segregate with disease in related individuals. ClinVar contains an entry for this variant (Variation ID: 863536). This variant is not present in population databases (ExAC no frequency). This sequence change replaces cysteine with arginine at codon 227 of the TPP1 protein (p.Cys227Arg). The cysteine residue is highly conserved and there is a large physicochemical difference between cysteine and arginine.

Revvity Omics, Revvity
Classification: Uncertain significance. Last evaluated: 2024-08-14. Review status: flagged submission. Criteria: ACMG Guidelines, 2015. Collection method: clinical testing. Allele origin: germline. Not counted in ClinVar's aggregate classification.
ClinVar note: Reason: Claim with insufficient supporting evidence

Literature cited by the submitters: PubMed 38730490 (cited by Women's Health and Genetics/Laboratory Corporation of America, LabCorp).

NM_000391.4(TPP1):c.679T>C (p.Cys227Arg)

Gene: TPP1 (tripeptidyl peptidase 1; minus strand). Cytogenetic location: 11p15.4.
Variant type: single nucleotide variant.
Coding change: c.679T>C on transcript NM_000391.4 (MANE Select); coding-DNA position 679, T replaced by C.
Protein change: p.Cys227Arg; replaces cysteine 227 with arginine.
Molecular consequence: missense variant.
Genome position (GRCh38, 1-based): chr11:6,616,983, A>G on the plus strand (T>C on the coding strand, the complement: TPP1 is on the minus strand). VCF-style: chr11-6616983-A-G. GRCh37 (hg19) VCF-style: chr11-6638214-A-G.
Other names: short protein forms C227R.
Identifiers: ClinVar variation 863536 (VCV000863536.12), dbSNP rs1855595805, ClinGen allele CA379475319.
Genomic context (GRCh38, chr11:6,616,983, plus strand): 5'-GAGGACACTGTGGGGAGGCTATGAGGACCCTGGGGCTCTTTGCTTGGCTCACCTGGGCAC[A>G]GGCTTGGCTGTTATTGCTGGTGCCAGAGCCCACGTCTTGTGAGGTCAAGTTGTATCGCTT-3'
Protein context (NP_000382.3, residues 217-237): GSGTSNNSQA[Cys227Arg]AQFLEQYFHD